The following is an entry in ClinVar:

ClinVar aggregate classification (germline): Uncertain significance (1 of 4 stars; one submission).

Conditions:
Hajdu-Cheney syndrome (HJCYS). Also called: ACROOSTEOLYSIS WITH OSTEOPOROSIS AND CHANGES IN SKULL AND MANDIBLE; SERPENTINE FIBULA-POLYCYSTIC KIDNEY SYNDROME; Acroosteolysis dominant type. Identifiers: Orphanet 955, MedGen C0917715, MONDO:0007057, OMIM 102500.

Allele frequency attached by ClinVar (database versions not stated): gnomAD exomes below 0.00001.
gnomAD v4.1: 1 of 1,614,174 alleles (0.000062%); highest among the groups gnomAD compares: Non-Finnish European, 0.000085%; no homozygotes.

Submission:

Labcorp Genetics (formerly Invitae), Labcorp
Classification: Uncertain significance for Hajdu-Cheney syndrome. Last evaluated: 2023-03-13. Review status: criteria provided, single submitter. Criteria: Invitae Variant Classification Sherloc (09022015). Collection method: clinical testing. Allele origin: germline.
Comment: In summary, the available evidence is currently insufficient to determine the role of this variant in disease. Therefore, it has been classified as a Variant of Uncertain Significance. Advanced modeling of protein sequence and biophysical properties (such as structural, functional, and spatial information, amino acid conservation, physicochemical variation, residue mobility, and thermodynamic stability) performed at Invitae indicates that this missense variant is expected to disrupt NOTCH2 protein function. This variant has not been reported in the literature in individuals affected with NOTCH2-related conditions. This variant is not present in population databases (gnomAD no frequency). This sequence change replaces arginine, which is basic and polar, with tryptophan, which is neutral and slightly polar, at codon 1787 of the NOTCH2 protein (p.Arg1787Trp).

NM_024408.4(NOTCH2):c.5359C>T (p.Arg1787Trp)

Gene: NOTCH2 (notch receptor 2; minus strand). Cytogenetic location: 1p12.
Variant type: single nucleotide variant.
Coding change: c.5359C>T on transcript NM_024408.4 (MANE Select); coding-DNA position 5359, C replaced by T.
Protein change: p.Arg1787Trp; replaces arginine 1787 with tryptophan.
Molecular consequence: missense variant.
Genome position (GRCh38, 1-based): chr1:119,920,349, G>A on the plus strand (C>T on the coding strand, the complement: NOTCH2 is on the minus strand). VCF-style: chr1-119920349-G-A. GRCh37 (hg19) VCF-style: chr1-120462972-G-A.
Other names: short protein forms R1787W.
Identifiers: ClinVar variation 2845443 (VCV002845443.3), dbSNP rs2101151577, ClinGen allele CA341885689.